The following is an entry in ClinVar:

NM_152594.3(SPRED1):c.938C>T (p.Thr313Met)

Gene: SPRED1 (sprouty related EVH1 domain containing 1; plus strand). Cytogenetic location: 15q14.
Variant type: single nucleotide variant.
Coding change: c.938C>T on transcript NM_152594.3 (MANE Select); coding-DNA position 938, C replaced by T.
Protein change: p.Thr313Met; replaces threonine 313 with methionine.
Molecular consequence: missense variant.
Genome position (GRCh38, 1-based): chr15:38,351,267, C>T. VCF-style: chr15-38351267-C-T. GRCh37 (hg19) VCF-style: chr15-38643468-C-T.
Other names: short protein forms T313M.
Identifiers: ClinVar variation 507843 (VCV000507843.16), dbSNP rs766814966, ClinGen allele CA7470206.

ClinVar aggregate classification (germline): Conflicting classifications of pathogenicity. Review status: criteria provided, conflicting classifications (1 of 4 stars). 5 submissions from 5 submitters: Uncertain significance (2); Benign (1); Likely benign (2). Last evaluated 2026-06-01.

Conditions:
Legius syndrome. Identifiers: Orphanet 137605, MedGen C1969623, MONDO:0012669, OMIM 611431. Disease mechanism: loss of function.

Allele frequency attached by ClinVar (database versions not stated): gnomAD exomes 0.00001 and 0.00003; ExAC 0.00003; TOPMed 0.00010; gnomAD 0.00013.
gnomAD v4.1: 44 of 1,613,904 alleles (0.0027%); highest among the groups gnomAD compares: Admixed American, 0.04%; no homozygotes.

Submissions (5):

CeGaT Center for Human Genetics Tuebingen
Classification: Uncertain significance. Last evaluated: 2026-06-01. Review status: criteria provided, single submitter. Criteria: CeGaT Center For Human Genetics Tuebingen Variant Classification Criteria Version 2. Collection method: clinical testing. Allele origin: germline. Affected: yes. Observed: 3 variant alleles.

Labcorp Genetics (formerly Invitae), Labcorp
Classification: Benign for Legius syndrome. Last evaluated: 2025-10-15. Review status: criteria provided, single submitter. Criteria: Invitae Variant Classification Sherloc (09022015). Collection method: clinical testing. Allele origin: germline.

Women's Health and Genetics/Laboratory Corporation of America, LabCorp
Classification: Likely benign. Last evaluated: 2025-07-21. Review status: criteria provided, single submitter. Criteria: LabCorp Variant Classification Summary - May 2015. Collection method: clinical testing. Allele origin: germline.
Comment: Variant summary: SPRED1 c.938C>T (p.Thr313Met) results in a non-conservative amino acid change in the encoded protein sequence. Algorithms developed to predict the effect of missense changes on protein structure and function all suggest that this variant is likely to be disruptive. The variant allele was found at a frequency of 2.7e-05 in 1613904 control chromosomes. The observed variant frequency is approximately 5 fold of the estimated maximal expected allele frequency for a pathogenic variant in SPRED1 causing Neurofibromatosis Type 1-Like Syndrome (Legius Syndrome) phenotype (5.6e-06). c.938C>T has been reported in the literature in a setting of multi-gene panel testing in an individual affected with reportedly NF1-fulfilling phenotypic criteria with an unnamed co-occurring pathogenic variant (e.g. Castellano_2019) or with single-gene testing in an individual with cafe-au-lait spots and cortical cysts (e.g. Messiaen_2009). These report(s) do not provide unequivocal conclusions about association of the variant with Neurofibromatosis Type 1-Like Syndrome (Legius Syndrome). To our knowledge, no experimental evidence demonstrating an impact on protein function has been reported. The following publications have been ascertained in the context of this evaluation (PMID: 19920235, 31573083). ClinVar contains an entry for this variant (Variation ID: 507843). Based on the evidence outlined above, the variant was classified as likely benign.

Fulgent Genetics
Classification: Uncertain significance for Legius syndrome. Last evaluated: 2024-03-21. Review status: criteria provided, single submitter. Criteria: ACMG Guidelines, 2015. Collection method: clinical testing. Allele origin: germline.

GeneDx
Classification: Likely benign. Last evaluated: 2017-03-03. Review status: criteria provided, single submitter. Criteria: GeneDx Variant Classification (06012015). Collection method: clinical testing. Allele origin: germline. Affected: yes.
Comment: This variant is considered likely benign or benign based on one or more of the following criteria: it is a conservative change, it occurs at a poorly conserved position in the protein, it is predicted to be benign by multiple in silico algorithms, and/or has population frequency not consistent with disease.

Literature cited by the submitters: PubMed 19920235 (cited by Women's Health and Genetics/Laboratory Corporation of America, LabCorp); PubMed 31573083 (cited by Women's Health and Genetics/Laboratory Corporation of America, LabCorp).